The following is an entry in ClinVar:

NM_001130438.3(SPTAN1):c.3626A>C (p.Lys1209Thr)

Gene: SPTAN1 (spectrin alpha, non-erythrocytic 1; plus strand). Cytogenetic location: 9q34.11.
Variant type: single nucleotide variant.
Coding change: c.3626A>C on transcript NM_001130438.3 (MANE Select); coding-DNA position 3626, A replaced by C.
Protein change: p.Lys1209Thr; replaces lysine 1209 with threonine.
Molecular consequence: missense variant.
Genome position (GRCh38, 1-based): chr9:128,603,589, A>C. VCF-style: chr9-128603589-A-C. GRCh37 (hg19) VCF-style: chr9-131365868-A-C.
Other names: c.3566A>C, p.Lys1189Thr (NM_001195532.2, NM_001363765.2, NM_001375314.2); c.3626A>C, p.Lys1209Thr (NM_001363759.2, NM_001375310.1, NM_001375311.2 and 2 more transcripts); c.3662A>C, p.Lys1221Thr (NM_001375312.2, NM_001375318.1); short protein forms K1189T, K1209T, K1221T.
Identifiers: ClinVar variation 2431388 (VCV002431388.1), dbSNP rs2541640144, ClinGen allele CA375063064.
Genomic context (GRCh38, chr9:128,603,589, plus strand): 5'-TCCTCCCTACCTAGTCTGCTCGTCTGATGGTTCACACCGTGGCCACCTTTAATTCCATCA[A>C]GGTAAGAAGCAGTGACCAGCTCCTCTGATCTCCCCTGGTTTTCTCCACTATCTTCCTTCC-3'
Protein context (NP_001123910.1, residues 1199-1219): VHTVATFNSI[Lys1209Thr]ELNERWRSLQ

ClinVar aggregate classification (germline): Uncertain significance (1 of 4 stars; one submission).

Conditions:
Developmental and epileptic encephalopathy, 5 (DEE5). Identifiers: Orphanet 3451, MedGen C3150731, MONDO:0013277, OMIM 613477.

Submission:

Laboratorio de Genetica e Diagnostico Molecular, Hospital Israelita Albert Einstein
Classification: Uncertain significance for Developmental and epileptic encephalopathy, 5. Last evaluated: 2022-08-11. Review status: criteria provided, single submitter. Criteria: ACMG Guidelines, 2015. Collection method: clinical testing. Allele origin: germline. Affected: yes. Observed: 1 variant allele.
Comment: ACMG classification criteria: PM2 moderated, BP4 supporting